The following is an entry in ClinVar:

ClinVar aggregate classification (germline): Likely benign (0 of 4 stars; one submission).

Conditions:
DMPK-related disorder. Also called: DMPK-related condition.

Allele frequency attached by ClinVar (database versions not stated): gnomAD exomes 0.00003; ExAC 0.00006; gnomAD 0.00022; TOPMed 0.00025.
gnomAD v4.1: 81 of 1,532,586 alleles (0.0053%); highest among the groups gnomAD compares: African/African-American, 0.051%; no homozygotes.

Submission:

PreventionGenetics, part of Exact Sciences
Classification: Likely benign for DMPK-related condition. Last evaluated: 2019-03-28. Review status: no assertion criteria provided. Collection method: clinical testing. Allele origin: germline.
Comment: This variant is classified as likely benign based on ACMG/AMP sequence variant interpretation guidelines (Richards et al. 2015 PMID: 25741868, with internal and published modifications).

NM_004409.5(DMPK):c.1305G>A (p.Ala435=)

Genes: DMPK (DM1 protein kinase; minus strand), LOC107075317 (origin of replication in DMPK trinucleotide repeat region; plus strand). Cytogenetic location: 19q13.32.
Variant type: single nucleotide variant.
Coding change: c.1305G>A on transcript NM_004409.5 (MANE Select); coding-DNA position 1305, G replaced by A.
Protein change: p.Ala435=; no amino-acid change (alanine 435 retained).
Molecular consequence: synonymous variant.
Genome position (GRCh38, 1-based): chr19:45,772,680, C>T on the plus strand (G>A on the coding strand, the complement: DMPK is on the minus strand). VCF-style: chr19-45772680-C-T. GRCh37 (hg19) VCF-style: chr19-46275938-C-T.
Other names: c.1290G>A, p.Ala430= (NM_001081560.3, NM_001081562.3, NM_001288766.2 and 1 more transcripts); c.1335G>A, p.Ala445= (NM_001081563.3); c.1383G>A, p.Ala461= (NM_001288764.2, NM_001424163.1); c.1038G>A, p.Ala346= (NM_001288765.2); c.1305G>A, p.Ala435= (NM_001424162.1, NM_001424164.1, NM_001424165.1 and 1 more transcripts); c.864G>A, p.Ala288= (NM_001424166.1).
Identifiers: ClinVar variation 3046615 (VCV003046615.2), dbSNP rs771536499, ClinGen allele CA9521169.